The following is an entry in ClinVar:

NM_001164508.2(NEB):c.17310del (p.Asn5772fs)

Gene: NEB (nebulin; minus strand). Cytogenetic location: 2q23.3.
Variant type: Deletion.
Coding change: c.17310del on transcript NM_001164508.2 (MANE Select); coding-DNA position 17310, one base deleted (T; older notation c.17310delT).
Protein change: p.Asn5772fs; shifts the reading frame from asparagine 5772.
Molecular consequence: frameshift variant.
Genome position (GRCh38, 1-based): chr2:151,570,201, A deleted on the plus strand (T on the coding strand, the reverse complement: NEB is on the minus strand). VCF-style (leftmost placement, unchanged base first): chr2-151570200-TA-T. GRCh37 (hg19) VCF-style: chr2-152426714-TA-T.
Other names: c.17310del (NM_001271208.1); c.17310del, p.Asn5772fs (NM_001164507.2, NM_001271208.2); c.17310delT, p.Asn5772Ilefs (NM_001271208.1); c.12207del, p.Asn4071fs (NM_004543.5); short protein forms N4071fs, N5772fs.
Identifiers: ClinVar variation 2677024 (VCV002677024.6), dbSNP rs758991263, ClinGen allele CA1908246.

ClinVar aggregate classification (germline): Pathogenic/Likely pathogenic. Review status: criteria provided, multiple submitters, no conflicts (2 of 4 stars). 3 submissions from 3 submitters: Pathogenic (1); Likely pathogenic (2). Last evaluated 2025-08-12.

Conditions:
Nemaline myopathy 2 (NEM2). Also called: Nemaline myopathy 2, autosomal recessive. Identifiers: MedGen C1850569, MONDO:0009725, OMIM 256030.
Arthrogryposis multiplex congenita 6. Identifiers: MedGen C5543431, MONDO:0030281, OMIM 619334.

Allele frequency attached by ClinVar (database versions not stated): gnomAD exomes below 0.00001; ExAC 0.00001.

Submissions (3):

Natera, Inc.
Classification: Likely pathogenic for Nemaline myopathy type 2. Last evaluated: 2025-08-12. Review status: criteria provided, single submitter. Criteria: Natera Variant Classification Schema (03/2026). Collection method: clinical testing. Allele origin: germline.
Comment: The c.17310del variant in NEB is a frameshift variant predicted to shift the reading frame beginning at codon 5772 and leads to a stop codon 27 codons downstream. This variant is expected to result in nonsense mediated decay, truncation, or a dysfunctional protein product. This variant is rare in the general population with a frequency below the threshold expected for the associated phenotype(s). Given the available evidence, this variant is classified as Likely Pathogenic.

Baylor Genetics
Classification: Likely pathogenic for Arthrogryposis multiplex congenita 6. Last evaluated: 2024-03-13. Review status: criteria provided, single submitter. Criteria: ACMG Guidelines, 2015. Collection method: clinical testing. Allele origin: unknown.

Labcorp Genetics (formerly Invitae), Labcorp
Classification: Pathogenic for Nemaline myopathy 2. Last evaluated: 2023-02-03. Review status: criteria provided, single submitter. Criteria: Invitae Variant Classification Sherloc (09022015). Collection method: clinical testing. Allele origin: germline.
Comment: For these reasons, this variant has been classified as Pathogenic. This variant has not been reported in the literature in individuals affected with NEB-related conditions. This variant is present in population databases (rs758991263, gnomAD 0.002%). This sequence change creates a premature translational stop signal (p.Asn5772Ilefs*27) in the NEB gene. It is expected to result in an absent or disrupted protein product. Loss-of-function variants in NEB are known to be pathogenic (PMID: 25205138).

Literature cited by the submitters: PubMed 25205138 (cited by Labcorp Genetics (formerly Invitae), Labcorp).